The following is an entry in ClinVar:

NM_000091.5(COL4A3):c.4123C>T (p.Pro1375Ser)

Genes: COL4A3 (collagen type IV alpha 3 chain; plus strand), MFF-DT (MFF divergent transcript; minus strand). Cytogenetic location: 2q36.3.
Variant type: single nucleotide variant.
Coding change: c.4123C>T on transcript NM_000091.5 (MANE Select); coding-DNA position 4123, C replaced by T.
Protein change: p.Pro1375Ser; replaces proline 1375 with serine.
Molecular consequence: missense variant.
Genome position (GRCh38, 1-based): chr2:227,304,114, C>T. VCF-style: chr2-227304114-C-T. GRCh37 (hg19) VCF-style: chr2-228168830-C-T.
Other names: short protein forms P1375S.
Identifiers: ClinVar variation 3338980 (VCV003338980.2).

ClinVar aggregate classification (germline): Uncertain significance. Review status: criteria provided, single submitter (1 of 4 stars). 2 submissions from 2 submitters: Uncertain significance (1). 1 of the submissions does not count toward it. Last evaluated 2024-07-10.

Conditions:
Alport syndrome. Also called: Hemorrhagic familial nephritis; Hemorrhagic hereditary nephritis; Congenital hereditary hematuria. Identifiers: Orphanet 63, MedGen C1567741, MONDO:0018965.

Submissions (2):

Women's Health and Genetics/Laboratory Corporation of America, LabCorp
Classification: Uncertain significance. Last evaluated: 2024-07-10. Review status: criteria provided, single submitter. Criteria: LabCorp Variant Classification Summary - May 2015. Collection method: clinical testing. Allele origin: germline.
Comment: Variant summary: COL4A3 c.4123C>T (p.Pro1375Ser) results in a non-conservative amino acid change in the encoded protein sequence. Three of five in-silico tools predict a damaging effect of the variant on protein function. The variant was absent in 249384 control chromosomes (gnomAD). The available data on variant occurrences in the general population are insufficient to allow any conclusion about variant significance. c.4123C>T has been reported in the literature in a heterozygous individual affected with chronic kidney disease (Yavas_2022). This report does not provide unequivocal conclusions about association of the variant with Alport Syndrome, Autosomal Recessive. To our knowledge, no experimental evidence demonstrating an impact on protein function has been reported. The following publication has been ascertained in the context of this evaluation (PMID: 36134775). No submitters have cited clinical-significance assessments for this variant to ClinVar. Based on the evidence outlined above, the variant was classified as uncertain significance.

Natera, Inc.
Classification: Uncertain significance for Alport syndrome. Last evaluated: 2025-05-20. Review status: no assertion criteria provided. Collection method: clinical testing. Allele origin: germline. Not counted in ClinVar's aggregate classification.

Literature cited by the submitters: PubMed 36134775 (cited by Women's Health and Genetics/Laboratory Corporation of America, LabCorp).